The following is an entry in ClinVar:

ClinVar aggregate classification (germline): Likely pathogenic (1 of 4 stars; one submission).

Conditions:
Familial adenomatous polyposis 2. Also called: FAP type 2; COLORECTAL ADENOMATOUS POLYPOSIS, AUTOSOMAL RECESSIVE; ADENOMAS, MULTIPLE COLORECTAL, AUTOSOMAL RECESSIVE; MYH-associated polyposis; Adenomas, multiple colorectal; MUTYH-associated polyposis. Identifiers: Orphanet 220460, Orphanet 247798, MedGen C3272841, MONDO:0012041, OMIM 608456.

Submission:

Labcorp Genetics (formerly Invitae), Labcorp
Classification: Likely pathogenic for Familial adenomatous polyposis 2. Last evaluated: 2024-11-14. Review status: criteria provided, single submitter. Criteria: Invitae Variant Classification Sherloc (09022015). Collection method: clinical testing. Allele origin: germline.
Comment: This sequence change affects an acceptor splice site in intron 9 of the MUTYH gene. It is expected to disrupt RNA splicing. Variants that disrupt the donor or acceptor splice site typically lead to a loss of protein function (PMID: 16199547), and loss-of-function variants in MUTYH are known to be pathogenic (PMID: 18534194, 20663686). This variant is not present in population databases (gnomAD no frequency). This variant has not been reported in the literature in individuals affected with MUTYH-related conditions. Algorithms developed to predict the effect of sequence changes on RNA splicing suggest that this variant may disrupt the consensus splice site. In summary, the currently available evidence indicates that the variant is pathogenic, but additional data are needed to prove that conclusively. Therefore, this variant has been classified as Likely Pathogenic.

Literature cited by the submitters: PubMed 16199547; PubMed 18534194; PubMed 20663686.

NM_001048174.2(MUTYH):c.705-1G>A

Gene: MUTYH (mutY DNA glycosylase; minus strand). Cytogenetic location: 1p34.1.
Variant type: single nucleotide variant.
Coding change: c.705-1G>A on transcript NM_001048174.2 (MANE Select); the canonical splice acceptor site of the intron before coding-DNA position 705, G replaced by A.
Molecular consequence: splice acceptor variant.
Genome position (GRCh38, 1-based): chr1:45,332,311, C>T on the plus strand (G>A on the coding strand, the complement: MUTYH is on the minus strand). VCF-style: chr1-45332311-C-T. GRCh37 (hg19) VCF-style: chr1-45797983-C-T.
Other names: c.705-1G>A (NM_001407072.1, NM_001407073.1, NM_001048171.2 and 6 more transcripts); c.360-1G>A (NM_001350651.2, NM_001350650.2, NM_001407082.1); c.429-1G>A (NM_001293192.2, NM_001293196.2, NM_001407091.1); c.750-1G>A (NM_001293190.2); c.738-1G>A (NM_001407069.1, NM_001407077.1, NM_001293191.2); c.780-1G>A (NM_012222.3); c.789-1G>A (NM_001128425.2); c.708-1G>A (NM_001407071.1, NM_001048172.2, NM_001407078.1 and 1 more transcripts); and 5 more.
Identifiers: ClinVar variation 3662990 (VCV003662990.2).
Genomic context (GRCh38, chr1:45,332,311, plus strand): 5'-ATGGCTGCTTGGTTGAAATCTCCTGGCCGGGCTGGGTCCACCAGCTGCTGGGCTAGACCC[C>T]TAAAAGAAGGGAACACTGCTGTGAAGCAGAGCTCCTTTGCAGACACCCCTGAAGCACCCT-3'